The following is an entry in ClinVar:

ClinVar aggregate classification (germline): Likely benign (0 of 4 stars; one submission).

Conditions:
SEMA3F-related disorder. Also called: SEMA3F-related condition.

Submission:

PreventionGenetics, part of Exact Sciences
Classification: Likely benign for SEMA3F-related condition. Last evaluated: 2022-06-13. Review status: no assertion criteria provided. Collection method: clinical testing. Allele origin: germline.
Comment: This variant is classified as likely benign based on ACMG/AMP sequence variant interpretation guidelines (Richards et al. 2015 PMID: 25741868, with internal and published modifications).

NM_004186.5(SEMA3F):c.2142C>T (p.Ala714=)

Gene: SEMA3F (semaphorin 3F; plus strand). Cytogenetic location: 3p21.31.
Variant type: single nucleotide variant.
Coding change: c.2142C>T on transcript NM_004186.5 (MANE Select); coding-DNA position 2142, C replaced by T.
Protein change: p.Ala714=; no amino-acid change (alanine 714 retained).
Molecular consequence: synonymous variant.
Genome position (GRCh38, 1-based): chr3:50,187,899, C>T. VCF-style: chr3-50187899-C-T. GRCh37 (hg19) VCF-style: chr3-50225332-C-T.
Other names: c.1845C>T, p.Ala615= (NM_001318798.2); c.2049C>T, p.Ala683= (NM_001318800.2).
Identifiers: ClinVar variation 3353497 (VCV003353497.1).